The following is an entry in ClinVar:

NM_000441.2(SLC26A4):c.1997C>T (p.Ser666Phe)

Gene: SLC26A4 (solute carrier family 26 member 4; plus strand). Cytogenetic location: 7q22.3.
Variant type: single nucleotide variant.
Coding change: c.1997C>T on transcript NM_000441.2 (MANE Select); coding-DNA position 1997, C replaced by T.
Protein change: p.Ser666Phe; replaces serine 666 with phenylalanine.
Molecular consequence: missense variant.
Genome position (GRCh38, 1-based): chr7:107,702,020, C>T. VCF-style: chr7-107702020-C-T. GRCh37 (hg19) VCF-style: chr7-107342465-C-T.
Other names: short protein forms S666F.
Identifiers: ClinVar variation 691517 (VCV000691517.3), dbSNP rs1584337274, ClinGen allele CA368843797.

ClinVar aggregate classification (germline): Affects (0 of 4 stars; one submission).

Conditions:
Autosomal recessive nonsyndromic hearing loss 4 (DFNB4). Also called: Deafness, autosomal recessive 4; FOXI1-Related Pendred Syndrome; KCNJ10-Related Pendred Syndrome; DEAFNESS, AUTOSOMAL RECESSIVE 4, WITH ENLARGED VESTIBULAR AQUEDUCT, DIGENIC; Deafness, autosomal recessive 4, with enlarged vestibular aqueduct; Enlarged vestibular aqueduct, digenic. Identifiers: Orphanet 90636, MedGen C3538946, MONDO:0010933, OMIM 600791.

Submission:

National Institute of Sensory Organs, National Hospital Organization Tokyo Medical Center
Classification: Affects for Autosomal recessive nonsyndromic hearing loss 4. Last evaluated: 2019-08-20. Review status: no assertion criteria provided. Collection method: literature only, in vitro. Allele origin: germline. Inheritance: Autosomal recessive inheritance. Affected: yes. Functional consequence: loss_of_function_variant.
Comment: in vitro experiment

Literature cited by the submitters: PubMed 14508505; PubMed 20826203; PubMed 24599119; PubMed 31599023.